The following is an entry in ClinVar:

NM_001211.6(BUB1B):c.751+4A>G

Gene: BUB1B (BUB1 mitotic checkpoint serine/threonine kinase B; plus strand). Cytogenetic location: 15q15.1.
Variant type: single nucleotide variant.
Coding change: c.751+4A>G on transcript NM_001211.6 (MANE Select); 4 bases into the intron after coding-DNA position 751, A replaced by G.
Molecular consequence: intron variant.
Genome position (GRCh38, 1-based): chr15:40,183,887, A>G. VCF-style: chr15-40183887-A-G. GRCh37 (hg19) VCF-style: chr15-40476088-A-G.
Identifiers: ClinVar variation 663560 (VCV000663560.8), dbSNP rs1248348421, ClinGen allele CA617556405.

ClinVar aggregate classification (germline): Uncertain significance (1 of 4 stars; one submission).

Conditions:
Mosaic variegated aneuploidy syndrome 1 (MVA1). Also called: Warburton-Anyane-Yeboa syndrome. Identifiers: Orphanet 1052, MedGen C1850343, MONDO:0009759, OMIM 257300.

Allele frequency attached by ClinVar (database versions not stated): gnomAD 0.00001 and 0.00002; gnomAD exomes 0.00001 and 0.00003; TOPMed 0.00003.
gnomAD v4.1: 47 of 1,613,784 alleles (0.0029%); highest among the groups gnomAD compares: Non-Finnish European, 0.0038%; no homozygotes.

Submission:

Labcorp Genetics (formerly Invitae), Labcorp
Classification: Uncertain significance for Mosaic variegated aneuploidy syndrome 1. Last evaluated: 2022-05-12. Review status: criteria provided, single submitter. Criteria: Invitae Variant Classification Sherloc (09022015). Collection method: clinical testing. Allele origin: germline.
Comment: In summary, the available evidence is currently insufficient to determine the role of this variant in disease. Therefore, it has been classified as a Variant of Uncertain Significance. Variants that disrupt the consensus splice site are a relatively common cause of aberrant splicing (PMID: 17576681, 9536098). Algorithms developed to predict the effect of sequence changes on RNA splicing suggest that this variant is not likely to affect RNA splicing. ClinVar contains an entry for this variant (Variation ID: 663560). This variant has not been reported in the literature in individuals affected with BUB1B-related conditions. This variant is present in population databases (no rsID available, gnomAD 0.0009%). This sequence change falls in intron 6 of the BUB1B gene. It does not directly change the encoded amino acid sequence of the BUB1B protein. It affects a nucleotide within the consensus splice site.

Literature cited by the submitters: PubMed 17576681; PubMed 9536098.